The following is an entry in ClinVar:

ClinVar aggregate classification (germline): Benign/Likely benign. Review status: criteria provided, multiple submitters, no conflicts (2 of 4 stars). 6 submissions from 6 submitters: Benign (3); Likely benign (3). Last evaluated 2026-03-30.

Allele frequency attached by ClinVar (database versions not stated): 1000 Genomes Project 0.00399; 1000 Genomes Project 30x 0.00422; TOPMed 0.00567; ESP Exome Variant Server 0.00577.
gnomAD v4.1: 1,434 of 1,613,858 alleles (0.089%); highest among the groups gnomAD compares: African/African-American, 1.6%; 17 homozygotes.

Submissions (6):

Women's Health and Genetics/Laboratory Corporation of America, LabCorp
Classification: Benign. Last evaluated: 2026-03-30. Review status: criteria provided, single submitter. Criteria: LabCorp Variant Classification Summary - May 2015. Collection method: clinical testing. Allele origin: germline.

Labcorp Genetics (formerly Invitae), Labcorp
Classification: Benign. Last evaluated: 2026-02-02. Review status: criteria provided, single submitter. Criteria: Invitae Variant Classification Sherloc (09022015). Collection method: clinical testing. Allele origin: germline.

Blueprint Genetics
Classification: Likely benign. Last evaluated: 2024-10-16. Review status: criteria provided, single submitter. Criteria: ACMG Guidelines, 2015. Collection method: clinical testing. Allele origin: germline.

Mayo Clinic Laboratories, Mayo Clinic
Classification: Benign. Last evaluated: 2024-07-31. Review status: criteria provided, single submitter. Criteria: ACMG Guidelines, 2015. Collection method: clinical testing. Allele origin: germline. Observed: 4 variant alleles.
Comment: BA1, BP4, BP7

GeneDx
Classification: Likely benign. Last evaluated: 2021-04-13. Review status: criteria provided, single submitter. Criteria: GeneDx Variant Classification Process June 2021. Collection method: clinical testing. Allele origin: germline. Affected: yes.

Breakthrough Genomics
Classification: Likely benign. Review status: criteria provided, single submitter. Criteria: ACMG Guidelines, 2015. Collection method: not provided. Allele origin: germline. Inheritance: Autosomal recessive inheritance. Affected: yes.

NM_001129.5(AEBP1):c.1486-8C>G

Genes: AEBP1 (AE binding protein 1; plus strand), MIR4649 (microRNA 4649; plus strand). Cytogenetic location: 7p13.
Variant type: single nucleotide variant.
Coding change: c.1486-8C>G on transcript NM_001129.5 (MANE Select); 8 bases into the intron before coding-DNA position 1486, C replaced by G.
Molecular consequence: intron variant. On other transcripts: non-coding transcript variant (1).
Genome position (GRCh38, 1-based): chr7:44,110,905, C>G. VCF-style: chr7-44110905-C-G. GRCh37 (hg19) VCF-style: chr7-44150504-C-G.
Other names: p.?.
Identifiers: ClinVar variation 709786 (VCV000709786.16), dbSNP rs138524537, ClinGen allele CA4237910.